The following is an entry in ClinVar:

NM_005559.4(LAMA1):c.2147C>G (p.Thr716Arg)

Gene: LAMA1 (laminin subunit alpha 1; minus strand). Cytogenetic location: 18p11.31.
Variant type: single nucleotide variant.
Coding change: c.2147C>G on transcript NM_005559.4 (MANE Select); coding-DNA position 2147, C replaced by G.
Protein change: p.Thr716Arg; replaces threonine 716 with arginine.
Molecular consequence: missense variant.
Genome position (GRCh38, 1-based): chr18:7,033,000, G>C on the plus strand (C>G on the coding strand, the complement: LAMA1 is on the minus strand). VCF-style: chr18-7033000-G-C. GRCh37 (hg19) VCF-style: chr18-7032999-G-C.
Other names: short protein forms T716R.
Identifiers: ClinVar variation 1958176 (VCV001958176.5), dbSNP rs778230261, ClinGen allele CA401829141.

ClinVar aggregate classification (germline): Uncertain significance (1 of 4 stars; one submission).

Allele frequency attached by ClinVar (database versions not stated): gnomAD exomes below 0.00001.
gnomAD v4.1: 1 of 1,610,052 alleles (0.000062%); highest among the groups gnomAD compares: South Asian, 0.0011%; no homozygotes.

Submission:

Labcorp Genetics (formerly Invitae), Labcorp
Classification: Uncertain significance. Last evaluated: 2022-09-07. Review status: criteria provided, single submitter. Criteria: Invitae Variant Classification Sherloc (09022015). Collection method: clinical testing. Allele origin: germline.
Comment: This variant has not been reported in the literature in individuals affected with LAMA1-related conditions. This variant is not present in population databases (gnomAD no frequency). This sequence change replaces threonine, which is neutral and polar, with arginine, which is basic and polar, at codon 716 of the LAMA1 protein (p.Thr716Arg). Algorithms developed to predict the effect of missense changes on protein structure and function are either unavailable or do not agree on the potential impact of this missense change (SIFT: "Deleterious"; PolyPhen-2: "Possibly Damaging"; Align-GVGD: "Class C0"). In summary, the available evidence is currently insufficient to determine the role of this variant in disease. Therefore, it has been classified as a Variant of Uncertain Significance.